The following is an entry in ClinVar:

ClinVar aggregate classification (germline): Uncertain significance (1 of 4 stars; one submission).

gnomAD v4.1: 1 of 1,609,936 alleles (0.000062%); highest among the groups gnomAD compares: East Asian, 0.0022%; no homozygotes.

Submission:

Ambry Genetics
Classification: Uncertain significance. Last evaluated: 2024-11-21. Review status: criteria provided, single submitter. Criteria: Ambry Variant Classification Scheme 2023. Collection method: clinical testing. Allele origin: germline.
Comment: The p.H273Y variant (also known as c.817C>T), located in coding exon 7 of the GEN1 gene, results from a C to T substitution at nucleotide position 817. The histidine at codon 273 is replaced by tyrosine, an amino acid with similar properties. This amino acid position is conserved. In addition, the in silico prediction for this alteration is inconclusive. Based on the available evidence, the clinical significance of this variant remains unclear.

NM_001130009.3(GEN1):c.817C>T (p.His273Tyr)

Gene: GEN1 (GEN1 Holliday junction 5' flap endonuclease; plus strand). Cytogenetic location: 2p24.2.
Variant type: single nucleotide variant.
Coding change: c.817C>T on transcript NM_001130009.3 (MANE Select); coding-DNA position 817, C replaced by T.
Protein change: p.His273Tyr; replaces histidine 273 with tyrosine.
Molecular consequence: missense variant.
Genome position (GRCh38, 1-based): chr2:17,772,648, C>T. VCF-style: chr2-17772648-C-T. GRCh37 (hg19) VCF-style: chr2-17953915-C-T.
Other names: c.817C>T, p.His273Tyr (NM_182625.5); short protein forms H273Y.
Identifiers: ClinVar variation 3519720 (VCV003519720.1).
Genomic context (GRCh38, chr2:17,772,648, plus strand): 5'-TTATAAAAGGCAAAAAATATTATACTTTTTTTGGGTCTCCATAAAGGTTCACCTAAGGAT[C>T]ATGAACGTAATGGATGCAGATTATGTAAAAGTGATAAATATTGTGAGCCACATGACTATG-3'
Protein context (NP_001123481.3, residues 263-283): VCSHPGSPKD[His273Tyr]ERNGCRLCKS